The following is an entry in ClinVar:

NM_001853.4(COL9A3):c.125A>G (p.Lys42Arg)

Gene: COL9A3 (collagen type IX alpha 3 chain; plus strand). Cytogenetic location: 20q13.33.
Variant type: single nucleotide variant.
Coding change: c.125A>G on transcript NM_001853.4 (MANE Select); coding-DNA position 125, A replaced by G.
Protein change: p.Lys42Arg; replaces lysine 42 with arginine.
Molecular consequence: missense variant.
Genome position (GRCh38, 1-based): chr20:62,817,613, A>G. VCF-style: chr20-62817613-A-G. GRCh37 (hg19) VCF-style: chr20-61448965-A-G.
Other names: short protein forms K42R.
Identifiers: ClinVar variation 1975603 (VCV001975603.5), dbSNP rs539023618, ClinGen allele CA317319482.

ClinVar aggregate classification (germline): Uncertain significance (1 of 4 stars; one submission).

Allele frequency attached by ClinVar (database versions not stated): 1000 Genomes Project 0.00020.
gnomAD v4.1: 2 of 1,546,162 alleles (0.00013%); highest among the groups gnomAD compares: Non-Finnish European, 0.00017%; no homozygotes.

Submission:

Labcorp Genetics (formerly Invitae), Labcorp
Classification: Uncertain significance. Last evaluated: 2024-08-07. Review status: criteria provided, single submitter. Criteria: Invitae Variant Classification Sherloc (09022015). Collection method: clinical testing. Allele origin: germline.
Comment: This sequence change replaces lysine, which is basic and polar, with arginine, which is basic and polar, at codon 42 of the COL9A3 protein (p.Lys42Arg). This variant is not present in population databases (gnomAD no frequency). This variant has not been reported in the literature in individuals affected with COL9A3-related conditions. ClinVar contains an entry for this variant (Variation ID: 1975603). Advanced modeling of protein sequence and biophysical properties (such as structural, functional, and spatial information, amino acid conservation, physicochemical variation, residue mobility, and thermodynamic stability) performed at Invitae indicates that this missense variant is not expected to disrupt COL9A3 protein function with a negative predictive value of 95%. In summary, the available evidence is currently insufficient to determine the role of this variant in disease. Therefore, it has been classified as a Variant of Uncertain Significance.